The following is an entry in ClinVar:

ClinVar aggregate classification (germline): Pathogenic (1 of 4 stars; one submission).

Allele frequency attached by ClinVar (database versions not stated): TOPMed below 0.00001.

Submission:

Labcorp Genetics (formerly Invitae), Labcorp
Classification: Pathogenic. Last evaluated: 2023-10-17. Review status: criteria provided, single submitter. Criteria: Invitae Variant Classification Sherloc (09022015). Collection method: clinical testing. Allele origin: germline.
Comment: This sequence change creates a premature translational stop signal (p.Tyr94*) in the C2CD3 gene. It is expected to result in an absent or disrupted protein product. Loss-of-function variants in C2CD3 are known to be pathogenic (PMID: 24997988, 26477546). This variant is not present in population databases (gnomAD no frequency). This variant has not been reported in the literature in individuals affected with C2CD3-related conditions. For these reasons, this variant has been classified as Pathogenic.

Literature cited by the submitters: PubMed 24997988; PubMed 26477546.

NM_001286577.2(C2CD3):c.281dup (p.Tyr94Ter)

Gene: C2CD3 (C2 domain containing 3 centriole elongation regulator; minus strand). Cytogenetic location: 11q13.4.
Variant type: Duplication.
Coding change: c.281dup on transcript NM_001286577.2 (MANE Select); coding-DNA position 281, one base duplicated (A; older notation c.281dupA).
Protein change: p.Tyr94Ter; replaces tyrosine 94 with a stop codon.
Molecular consequence: nonsense.
Genome position (GRCh38, 1-based): chr11:74,168,388, T duplicated on the plus strand (A on the coding strand, the reverse complement: C2CD3 is on the minus strand). VCF-style (leftmost placement, unchanged base first): chr11-74168387-G-GT. GRCh37 (hg19) VCF-style: chr11-73879432-G-GT.
Other names: c.281dup, p.Tyr94Ter (NM_015531.6); short protein forms Y94*.
Identifiers: ClinVar variation 2769651 (VCV002769651.3), dbSNP rs1856940653, ClinGen allele CA1982769942.
Genomic context (GRCh38, chr11:74,168,387, plus strand): 5'-ATAAAACAATAACATACCTGTTAGATAAGAGGTAAACTGTTTTGGACCACAACGAATAGC[G>GT]TAACGTGTAGTTGTTCTCACAGCTTTTGGTTCAGTCTGCAATGCATCCCTGGGACAAAAG-3'